The following is an entry in ClinVar:

NM_001130438.3(SPTAN1):c.1679A>G (p.Glu560Gly)

Gene: SPTAN1 (spectrin alpha, non-erythrocytic 1; plus strand). Cytogenetic location: 9q34.11.
Variant type: single nucleotide variant.
Coding change: c.1679A>G on transcript NM_001130438.3 (MANE Select); coding-DNA position 1679, A replaced by G.
Protein change: p.Glu560Gly; replaces glutamic acid 560 with glycine.
Molecular consequence: missense variant.
Genome position (GRCh38, 1-based): chr9:128,582,722, A>G. VCF-style: chr9-128582722-A-G. GRCh37 (hg19) VCF-style: chr9-131345001-A-G.
Other names: c.1679A>G, p.Glu560Gly (NM_001195532.2, NM_001363759.2, NM_001363765.2 and 5 more transcripts); c.1715A>G, p.Glu572Gly (NM_001375312.2, NM_001375318.1); short protein forms E572G, E560G.
Identifiers: ClinVar variation 3673351 (VCV003673351.2).

ClinVar aggregate classification (germline): Uncertain significance (1 of 4 stars; one submission).

Conditions:
Early-infantile DEE. Also called: Ohtahara syndrome; Early infantile epileptic encephalopathy with suppression bursts; Early infantile epileptic encephalopathy. Identifiers: Orphanet 1934, MedGen C0393706, MONDO:0800491.

gnomAD v4.1: 4 of 1,613,920 alleles (0.00025%); highest among the groups gnomAD compares: Non-Finnish European, 0.00034%; no homozygotes.

Submission:

Labcorp Genetics (formerly Invitae), Labcorp
Classification: Uncertain significance for Early-infantile DEE. Last evaluated: 2024-12-23. Review status: criteria provided, single submitter. Criteria: Invitae Variant Classification Sherloc (09022015). Collection method: clinical testing. Allele origin: germline.
Comment: This sequence change replaces glutamic acid, which is acidic and polar, with glycine, which is neutral and non-polar, at codon 560 of the SPTAN1 protein (p.Glu560Gly). This variant is not present in population databases (gnomAD no frequency). This missense change has been observed in individual(s) with intellectual disability (PMID: 22258530). Invitae Evidence Modeling of protein sequence and biophysical properties (such as structural, functional, and spatial information, amino acid conservation, physicochemical variation, residue mobility, and thermodynamic stability) has been performed for this missense variant. However, the output from this modeling did not meet the statistical confidence thresholds required to predict the impact of this variant on SPTAN1 protein function. In summary, the available evidence is currently insufficient to determine the role of this variant in disease. Therefore, it has been classified as a Variant of Uncertain Significance.

Literature cited by the submitters: PubMed 22258530.